The following is an entry in ClinVar:

ClinVar aggregate classification (germline): Uncertain significance (1 of 4 stars; one submission).

Conditions:
Hereditary cancer-predisposing syndrome. Also called: Hereditary Cancer Syndrome; Neoplastic Syndromes, Hereditary; Tumor predisposition; Hereditary neoplastic syndrome. Identifiers: Orphanet 140162, MedGen C0027672, MeSH D009386, MONDO:0015356.

Allele frequency attached by ClinVar (database versions not stated): gnomAD exomes below 0.00001.
gnomAD v4.1: 1 of 1,614,056 alleles (0.000062%); highest among the groups gnomAD compares: South Asian, 0.0011%; no homozygotes.

Submission:

Ambry Genetics
Classification: Uncertain significance for Hereditary cancer-predisposing syndrome. Last evaluated: 2022-02-22. Review status: criteria provided, single submitter. Criteria: Ambry Variant Classification Scheme 2023. Collection method: clinical testing. Allele origin: germline.
Comment: The p.L1787P variant (also known as c.5360T>C), located in coding exon 39 of the POLE gene, results from a T to C substitution at nucleotide position 5360. The leucine at codon 1787 is replaced by proline, an amino acid with similar properties. This amino acid position is conserved. In addition, the in silico prediction for this alteration is inconclusive. Since supporting evidence is limited at this time, the clinical significance of this alteration remains unclear.

NM_006231.4(POLE):c.5360T>C (p.Leu1787Pro)

Gene: POLE (DNA polymerase epsilon, catalytic subunit; minus strand). Cytogenetic location: 12q24.33.
Variant type: single nucleotide variant.
Coding change: c.5360T>C on transcript NM_006231.4 (MANE Select); coding-DNA position 5360, T replaced by C.
Protein change: p.Leu1787Pro; replaces leucine 1787 with proline.
Molecular consequence: missense variant.
Genome position (GRCh38, 1-based): chr12:132,641,665, A>G on the plus strand (T>C on the coding strand, the complement: POLE is on the minus strand). VCF-style: chr12-132641665-A-G. GRCh37 (hg19) VCF-style: chr12-133218251-A-G.
Other names: short protein forms L1787P.
Identifiers: ClinVar variation 1747072 (VCV001747072.2), dbSNP rs1378321494, ClinGen allele CA387375730.